The following is an entry in ClinVar:

ClinVar aggregate classification (germline): Likely benign. Review status: criteria provided, multiple submitters, no conflicts (2 of 4 stars). 5 submissions from 5 submitters: Likely benign (5). Last evaluated 2026-01-31.

Conditions:
Cardiovascular phenotype. Identifiers: MedGen CN230736.
Cardiomyopathy (CMYO). Also called: Cardiomyopathies. Identifiers: Orphanet 167848, MedGen C0878544, MONDO:0004994, HP:0001638. Inheritance: Various modes of inheritance.
Hypertrophic cardiomyopathy. Also called: HYPERTROPHIC MYOCARDIOPATHY. Identifiers: Orphanet 217569, MedGen C0007194, MeSH D002312, MONDO:0005045, HP:0001639.

Allele frequency attached by ClinVar (database versions not stated): gnomAD 0.00001; TOPMed 0.00001.
gnomAD v4.1: 83 of 1,613,770 alleles (0.0051%); highest among the groups gnomAD compares: Non-Finnish European, 0.0069%; no homozygotes.

Submissions (5):

Labcorp Genetics (formerly Invitae), Labcorp
Classification: Likely benign for Hypertrophic cardiomyopathy. Last evaluated: 2026-01-31. Review status: criteria provided, single submitter. Criteria: Invitae Variant Classification Sherloc (09022015). Collection method: clinical testing. Allele origin: germline.

Molecular Diagnostic Laboratory for Inherited Cardiovascular Disease, Montreal Heart Institute
Classification: Likely benign. Last evaluated: 2025-04-09. Review status: criteria provided, single submitter. Criteria: ACMG Guidelines, 2015. Collection method: clinical testing. Allele origin: germline. Affected: no.

All of Us Research Program, National Institutes of Health
Classification: Likely benign for Hypertrophic cardiomyopathy. Last evaluated: 2023-08-15. Review status: criteria provided, single submitter. Criteria: ACMG Guidelines, 2015. Collection method: clinical testing. Allele origin: germline. Inheritance: Autosomal dominant inheritance. Observed: 3 variant alleles, 3 heterozygotes.
Comment: This study involves interpretation of variants in research participants for the purpose of population health screening. Participant phenotype was not available at the time of variant classification. Additional details can be found in publication PMID: 35346344, PMCID: PMC8962531

Ambry Genetics
Classification: Likely benign for Cardiovascular phenotype. Last evaluated: 2022-08-30. Review status: criteria provided, single submitter. Criteria: Ambry Variant Classification Scheme 2023. Collection method: clinical testing. Allele origin: germline.

Color Diagnostics, LLC DBA Color Health
Classification: Likely benign for Cardiomyopathy. Last evaluated: 2018-07-10. Review status: criteria provided, single submitter. Criteria: ACMG Guidelines, 2015. Collection method: clinical testing. Allele origin: germline.

NM_000256.3(MYBPC3):c.1578A>T (p.Ala526=)

Gene: MYBPC3 (myosin binding protein C3; minus strand). Cytogenetic location: 11p11.2.
Variant type: single nucleotide variant.
Coding change: c.1578A>T on transcript NM_000256.3 (MANE Select); coding-DNA position 1578, A replaced by T.
Protein change: p.Ala526=; no amino-acid change (alanine 526 retained).
Molecular consequence: synonymous variant.
Genome position (GRCh38, 1-based): chr11:47,342,624, T>A on the plus strand (A>T on the coding strand, the complement: MYBPC3 is on the minus strand). VCF-style: chr11-47342624-T-A. GRCh37 (hg19) VCF-style: chr11-47364175-T-A.
Other names: c.1578A>T, p.Ala526= (LRG_386t1).
Identifiers: ClinVar variation 628844 (VCV000628844.14), dbSNP rs766721220, ClinGen allele CA078179.